The following is an entry in ClinVar:

ClinVar aggregate classification (germline): Benign/Likely benign. Review status: criteria provided, multiple submitters, no conflicts (2 of 4 stars). 2 submissions from 2 submitters: Benign (1); Likely benign (1). Last evaluated 2024-07-08.

Conditions:
Occult macular dystrophy (OCMD). Also called: OMD; OCCULT MACULAR DYSTROPHY, SUSCEPTIBILITY TO. Identifiers: Orphanet 247834, MedGen C3150833, MONDO:0013316, OMIM 613587, HP:0030636.

Allele frequency attached by ClinVar (database versions not stated): gnomAD 0.00010 and 0.00012; ESP Exome Variant Server 0.00018; TOPMed 0.00018; ExAC 0.00036.
gnomAD v4.1: 238 of 1,584,372 alleles (0.015%); highest among the groups gnomAD compares: South Asian, 0.048%; 1 homozygote.

Submissions (2):

Blueprint Genetics
Classification: Likely benign. Last evaluated: 2024-07-08. Review status: criteria provided, single submitter. Criteria: ACMG Guidelines, 2015. Collection method: clinical testing. Allele origin: germline.

Illumina Laboratory Services, Illumina
Classification: Benign for Occult macular dystrophy. Last evaluated: 2018-01-13. Review status: criteria provided, single submitter. Criteria: ICSL Variant Classification Criteria 13 December 2019. Collection method: clinical testing. Allele origin: germline.
Comment: This variant was observed in the ICSL laboratory as part of a predisposition screen in an ostensibly healthy population. It had not been previously curated by ICSL or reported in the Human Gene Mutation Database (HGMD: prior to June 1st, 2018), and was therefore a candidate for classification through an automated scoring system. Utilizing variant allele frequency, disease prevalence and penetrance estimates, and inheritance mode, an automated score was calculated to assess if this variant is too frequent to cause the disease. Based on the score and internal cut-off values, a variant classified as benign is not then subjected to further curation. The score for this variant resulted in a classification of benign for this disease.

NM_178857.6(RP1L1):c.2568G>A (p.Pro856=)

Gene: RP1L1 (RP1 like 1). Cytogenetic location: 8p23.1.
Variant type: single nucleotide variant.
Coding change: c.2568G>A on transcript NM_178857.6 (MANE Select); coding-DNA position 2568, G replaced by A.
Protein change: p.Pro856=; no amino-acid change (proline 856 retained).
Molecular consequence: synonymous variant.
Genome position (GRCh38, 1-based): chr8:10,611,530, C>T on the plus strand (G>A on the coding strand, the complement: RP1L1 is on the minus strand). VCF-style: chr8-10611530-C-T. GRCh37 (hg19) VCF-style: chr8-10469040-C-T.
Identifiers: ClinVar variation 361341 (VCV000361341.6), dbSNP rs367933781, ClinGen allele CA4624784.
Genomic context (GRCh38, chr8:10,611,530, plus strand): 5'-GCTGCTGCCGGTGCTCCCACAGCTGGAAGAGCGCCTCTGGGGGCAGGGCCGCCCCCTGGG[C>T]GGGGTGGGACAGTACCTGCCACACAGCCAGCTAGCCTCAGGGGAGGGTCCCCGCTGGGCC-3'
Protein context (NP_849188.4, residues 846-866): SWLCGRYCPT[Pro856=]PRGRPCPQRR